The following is an entry in ClinVar:

NM_001365536.1(SCN9A):c.2815G>T (p.Ala939Ser)

Genes: SCN1A-AS1 (SCN1A and SCN9A antisense RNA 1; plus strand), SCN9A (sodium voltage-gated channel alpha subunit 9; minus strand). Cytogenetic location: 2q24.3.
Variant type: single nucleotide variant.
Coding change: c.2815G>T on transcript NM_001365536.1 (MANE Select); coding-DNA position 2815, G replaced by T.
Protein change: p.Ala939Ser; replaces alanine 939 with serine.
Molecular consequence: missense variant.
Genome position (GRCh38, 1-based): chr2:166,277,042, C>A on the plus strand (G>T on the coding strand, the complement: SCN9A is on the minus strand). VCF-style: chr2-166277042-C-A. GRCh37 (hg19) VCF-style: chr2-167133552-C-A.
Other names: c.2782G>T, p.Ala928Ser (NM_002977.4); short protein forms A939S, A928S.
Identifiers: ClinVar variation 1360082 (VCV001360082.7), dbSNP rs1064793264, ClinGen allele CA349077200.

ClinVar aggregate classification (germline): Uncertain significance. Review status: criteria provided, multiple submitters, no conflicts (2 of 4 stars). 2 submissions from 2 submitters: Uncertain significance (2). Last evaluated 2026-06-24.

Conditions:
Inborn genetic diseases. Identifiers: MedGen C0950123, MeSH D030342.
Neuropathy, hereditary sensory and autonomic, type 2A (HSAN2A). Also called: HSAN IIA; ACROOSTEOLYSIS, GIACCAI TYPE; ACROOSTEOLYSIS, NEUROGENIC; MORVAN DISEASE; NEUROPATHY, CONGENITAL SENSORY; NEUROPATHY, HEREDITARY SENSORY RADICULAR, AUTOSOMAL RECESSIVE. Identifiers: Orphanet 970, MedGen C2752089, MONDO:0024309, OMIM 201300.
Generalized epilepsy with febrile seizures plus, type 7 (GEFSP7). Also called: GEFS+, TYPE 7. Identifiers: Orphanet 36387, MedGen C2751778, MONDO:0013470, OMIM 613863.

Submissions (2):

Ambry Genetics
Classification: Uncertain significance for Inborn genetic diseases. Last evaluated: 2026-06-24. Review status: criteria provided, single submitter. Criteria: Ambry Variant Classification Scheme 2023. Collection method: clinical testing. Allele origin: germline.

Labcorp Genetics (formerly Invitae), Labcorp
Classification: Uncertain significance for Neuropathy, hereditary sensory and autonomic, type 2A; Generalized epilepsy with febrile seizures plus, type 7. Last evaluated: 2026-01-28. Review status: criteria provided, single submitter. Criteria: Invitae Variant Classification Sherloc (09022015). Collection method: clinical testing. Allele origin: germline.
Comment: This sequence change replaces alanine, which is neutral and non-polar, with serine, which is neutral and polar, at codon 928 of the SCN9A protein (p.Ala928Ser). This variant is not present in population databases (gnomAD no frequency). This variant has not been reported in the literature in individuals affected with SCN9A-related conditions. ClinVar contains an entry for this variant (Variation ID: 1360082). Invitae Evidence Modeling of protein sequence and biophysical properties (such as structural, functional, and spatial information, amino acid conservation, physicochemical variation, residue mobility, and thermodynamic stability) indicates that this missense variant is not expected to disrupt SCN9A protein function with a negative predictive value of 95%. In summary, the available evidence is currently insufficient to determine the role of this variant in disease. Therefore, it has been classified as a Variant of Uncertain Significance.